The following is an entry in ClinVar:

NM_053004.3(GNB1L):c.-21+2449C>T

Genes: GNB1L (G protein subunit beta 1 like; minus strand), RTL10 (retrotransposon Gag like 10; minus strand). Cytogenetic location: 22q11.21.
Variant type: single nucleotide variant.
Coding change: c.-21+2449C>T on transcript NM_053004.3 (MANE Select); 2449 bases into the intron after 21 bases upstream of the start codon, C replaced by T.
Molecular consequence: intron variant. On other transcripts: nonsense (1).
Genome position (GRCh38, 1-based): chr22:19,851,994, G>A on the plus strand (C>T on the coding strand, the complement: GNB1L is on the minus strand). VCF-style: chr22-19851994-G-A. GRCh37 (hg19) VCF-style: chr22-19839517-G-A.
Other names: c.268C>T, p.Arg90Ter (NM_024627.6); short protein forms R90*.
Identifiers: ClinVar variation 2652871 (VCV002652871.24), dbSNP rs146819542, ClinGen allele CA10103509.
Genomic context (GRCh38, chr22:19,851,994, plus strand): 5'-AGCCATCAAAGGTGCCTGGGTCTGAGCCTGGTACCCAGCAGAAGTCCACCCTGTGGGGTC[G>A]GGAGCTGGGCATGTGCCCAGCTAGGGGACCCCTTTCTGCAGGTTTACCGCCACAAGTGCC-3'

ClinVar aggregate classification (germline): Benign (1 of 4 stars; one submission).

Allele frequency attached by ClinVar (database versions not stated): ESP Exome Variant Server 0.00008; gnomAD exomes 0.00010; gnomAD 0.00019; TOPMed 0.00020; ExAC 0.00029; 1000 Genomes Project 0.00160; 1000 Genomes Project 30x 0.00187.
gnomAD v4.1: 180 of 1,614,156 alleles (0.011%); highest among the groups gnomAD compares: East Asian, 0.29%; no homozygotes.

Submission:

CeGaT Center for Human Genetics Tuebingen
Classification: Benign. Last evaluated: 2022-03-01. Review status: criteria provided, single submitter. Criteria: CeGaT Center For Human Genetics Tuebingen Variant Classification Criteria Version 2. Collection method: clinical testing. Allele origin: germline. Affected: yes. Observed: 1 variant allele.
Comment: GNB1L: BS1, BS2